The following is an entry in ClinVar:

NM_001017980.4(VMA21):c.164-3T>A

Gene: VMA21 (vacuolar ATPase assembly factor VMA21; plus strand). Cytogenetic location: Xq28.
Variant type: single nucleotide variant.
Coding change: c.164-3T>A on transcript NM_001017980.4 (MANE Select); 3 bases into the intron before coding-DNA position 164, T replaced by A.
Molecular consequence: intron variant.
Genome position (GRCh38, 1-based): chrX:151,404,913, T>A. VCF-style: chrX-151404913-T-A. GRCh37 (hg19) VCF-style: chrX-150573385-T-A.
Other names: c.329-3T>A (NM_001363810.1).
Identifiers: ClinVar variation 1709486 (VCV001709486.2), dbSNP rs2520632207, ClinGen allele CA2580101655.

ClinVar aggregate classification (germline): Uncertain significance (1 of 4 stars; one submission).

Conditions:
X-linked myopathy with excessive autophagy (AVM). Also called: Vacuolar myopathy; Autophagic vacuolar myopathy. Identifiers: Orphanet 25980, MedGen C1839615, MONDO:0010684, OMIM 310440.

Submission:

MGZ Medical Genetics Center
Classification: Uncertain significance for X-linked myopathy with excessive autophagy. Last evaluated: 2022-06-07. Review status: criteria provided, single submitter. Criteria: ACMG Guidelines, 2015. Collection method: clinical testing. Allele origin: germline. Affected: yes. Observed: 2 variant alleles.
Comment: ACMG criteria applied: PM2_SUP, PP3